The following is an entry in ClinVar:

ClinVar aggregate classification (germline): Benign (1 of 4 stars; one submission).

Allele frequency attached by ClinVar (database versions not stated): 1000 Genomes Project 0.03115; 1000 Genomes Project 30x 0.03154; TOPMed 0.04385; gnomAD 0.04724 and 0.04762.
gnomAD v4.1: 7,179 of 152,186 alleles (4.7%); highest among the groups gnomAD compares: Non-Finnish European, 6.6%; 232 homozygotes.

Submission:

GeneDx
Classification: Benign. Last evaluated: 2018-06-16. Review status: criteria provided, single submitter. Criteria: GeneDx Variant Classification (06012015). Collection method: clinical testing. Allele origin: germline. Affected: yes.
Comment: This variant is considered likely benign or benign based on one or more of the following criteria: it is a conservative change, it occurs at a poorly conserved position in the protein, it is predicted to be benign by multiple in silico algorithms, and/or has population frequency not consistent with disease.

NM_182961.4(SYNE1):c.130-236G>C

Gene: SYNE1 (spectrin repeat containing nuclear envelope protein 1; minus strand). Cytogenetic location: 6q25.2.
Variant type: single nucleotide variant.
Coding change: c.130-236G>C on transcript NM_182961.4 (MANE Select); 236 bases into the intron before coding-DNA position 130, G replaced by C.
Molecular consequence: intron variant.
Genome position (GRCh38, 1-based): chr6:152,526,411, C>G on the plus strand (G>C on the coding strand, the complement: SYNE1 is on the minus strand). VCF-style: chr6-152526411-C-G. GRCh37 (hg19) VCF-style: chr6-152847546-C-G.
Other names: c.130-236G>C (NM_033071.5).
Identifiers: ClinVar variation 677549 (VCV000677549.1), dbSNP rs17772087, ClinGen allele CA12308916.